The following is an entry in ClinVar:

NM_000929.3(PLA2G5):c.356A>G (p.Lys119Arg)

Gene: PLA2G5 (phospholipase A2 group V; plus strand). Cytogenetic location: 1p36.13.
Variant type: single nucleotide variant.
Coding change: c.356A>G on transcript NM_000929.3 (MANE Select); coding-DNA position 356, A replaced by G.
Protein change: p.Lys119Arg; replaces lysine 119 with arginine.
Molecular consequence: missense variant.
Genome position (GRCh38, 1-based): chr1:20,090,631, A>G. VCF-style: chr1-20090631-A-G. GRCh37 (hg19) VCF-style: chr1-20417124-A-G.
Other names: short protein forms K119R.
Identifiers: ClinVar variation 1905048 (VCV001905048.6), dbSNP rs754574030, ClinGen allele CA658276.

ClinVar aggregate classification (germline): Uncertain significance. Review status: criteria provided, multiple submitters, no conflicts (2 of 4 stars). 2 submissions from 2 submitters: Uncertain significance (2). Last evaluated 2022-08-19.

Allele frequency attached by ClinVar (database versions not stated): gnomAD 0.00001; TOPMed 0.00001; ExAC 0.00002; gnomAD exomes 0.00002.
gnomAD v4.1: 25 of 1,613,930 alleles (0.0015%); highest among the groups gnomAD compares: South Asian, 0.0033%; no homozygotes.

Submissions (2):

Labcorp Genetics (formerly Invitae), Labcorp
Classification: Uncertain significance. Last evaluated: 2022-08-19. Review status: criteria provided, single submitter. Criteria: Invitae Variant Classification Sherloc (09022015). Collection method: clinical testing. Allele origin: germline.
Comment: This sequence change replaces lysine, which is basic and polar, with arginine, which is basic and polar, at codon 119 of the PLA2G5 protein (p.Lys119Arg). This variant is present in population databases (rs754574030, gnomAD 0.01%). This variant has not been reported in the literature in individuals affected with PLA2G5-related conditions. Algorithms developed to predict the effect of missense changes on protein structure and function output the following: SIFT: "Tolerated"; PolyPhen-2: "Benign"; Align-GVGD: "Class C0". The arginine amino acid residue is found in multiple mammalian species, which suggests that this missense change does not adversely affect protein function. In summary, the available evidence is currently insufficient to determine the role of this variant in disease. Therefore, it has been classified as a Variant of Uncertain Significance.

Ambry Genetics
Classification: Uncertain significance. Last evaluated: 2021-08-13. Review status: criteria provided, single submitter. Criteria: Ambry Variant Classification Scheme 2023. Collection method: clinical testing. Allele origin: germline.